The following is an entry in ClinVar:

ClinVar aggregate classification (germline): Pathogenic (1 of 4 stars; one submission).

Conditions:
Fraser syndrome 3. Identifiers: MedGen C4540040, MONDO:0054739, OMIM 617667.

Submission:

Myriad Genetics, Inc.
Classification: Pathogenic for Fraser syndrome 3. Last evaluated: 2026-02-17. Review status: criteria provided, single submitter. Criteria: Myriad Autosomal Dominant, Autosomal Recessive and X-Linked Classification Criteria (2023). Collection method: clinical testing. Allele origin: unknown.
Comment: NM_021150.3(GRIP1):c.1017delG(L340Wfs*3) is expected to be pathogenic in the context of Fraser syndrome, GRIP1-related. This variant is predicted to lead to an abnormal or absent protein product due to the creation of a premature termination codon in GRIP1, a gene where loss-of-function variants are known to be pathogenic. Please note: this variant was assessed in the context of healthy population screening.

NM_001366722.1(GRIP1):c.1017del (p.Leu340fs)

Gene: GRIP1 (glutamate receptor interacting protein 1; minus strand). Cytogenetic location: 12q14.3.
Variant type: Deletion.
Coding change: c.1017del on transcript NM_001366722.1 (MANE Select); coding-DNA position 1017, one base deleted (G; older notation c.1017delG).
Protein change: p.Leu340fs; shifts the reading frame from leucine 340.
Molecular consequence: frameshift variant.
Genome position (GRCh38, 1-based): chr12:66,462,949, C deleted on the plus strand (G on the coding strand, the reverse complement: GRIP1 is on the minus strand); the first of 2 consecutive C bases (chr12:66,462,949-66,462,950); deleting either gives the same sequence. VCF-style (leftmost placement, unchanged base first): chr12-66462948-GC-G. GRCh37 (hg19) VCF-style: chr12-66856728-GC-G.
Other names: c.1017del, p.Leu340fs (NM_001178074.2, NM_001379346.1, NM_021150.4); c.1095del, p.Leu366fs (NM_001366723.1, NM_001366724.1, NM_001379345.1 and 2 more transcripts); c.1020del, p.Leu341fs (NM_001379349.1, NM_001379351.1, NM_001439322.1 and 1 more transcripts); short protein forms L340fs, L341fs, L366fs.
Identifiers: ClinVar variation 5015563 (VCV005015563.1).
Genomic context (GRCh38, chr12:66,462,948, plus strand): 5'-CCAGAGAAAGAGCTTGATCCAGGTGGACCATCTCACCATGGTCGGGCCCCTTTAGGGCCA[GC>G]CGGGTCTGATGATGGGGAAGGATCTCAAGCTTGACCTGGTCAGTGGTGTTGGCCAGGAAC-3'